The following is an entry in ClinVar:

ClinVar aggregate classification (germline): Pathogenic (1 of 4 stars; one submission).

Conditions:
Malan overgrowth syndrome (MALNS). Also called: Sotos syndrome 2; NFIX-Related Malan Syndrome; MALAN SYNDROME. Identifiers: Orphanet 420179, MedGen C3553660, MONDO:0013885, OMIM 614753.

Submission:

Groupe Hospitalier Pitie Salpetriere, Uf Genomique Du Developpement, Assistance Publique Hopitaux de Paris Sorbonne Université
Classification: Pathogenic for Sotos syndrome 2. Last evaluated: 2017-01-06. Review status: criteria provided, single submitter. Criteria: ACMG Guidelines, 2015. Collection method: clinical testing. Allele origin: de novo. Affected: yes. Observed: 1 variant allele.
Comment: Intellectual disability; postnatal macrocephaly (+4SD); hypermetropia.

Literature cited by the submitters: PubMed 28708303.

NM_001365902.3(NFIX):c.73del (p.Ala25fs)

Gene: NFIX (nuclear factor I X; plus strand). Cytogenetic location: 19p13.13.
Variant type: Deletion.
Coding change: c.73del on transcript NM_001365902.3 (MANE Select); coding-DNA position 73, one base deleted (G; older notation c.73delG).
Protein change: p.Ala25fs; shifts the reading frame from alanine 25.
Molecular consequence: frameshift variant. On other transcripts: 5 prime UTR variant (1).
Genome position (GRCh38, 1-based): chr19:13,025,066, G deleted. VCF-style (leftmost placement, unchanged base first): chr19-13025065-CG-C. GRCh37 (hg19) VCF-style: chr19-13135879-CG-C.
Other names: c.97del, p.Ala33fs (NM_001271043.2); c.49del, p.Ala17fs (NM_001271044.3, NM_001378404.1); c.73del, p.Ala25fs (NM_001365982.2, NM_002501.4); c.-69del (NM_001365983.2); c.70del, p.Ala24fs (NM_001365984.2, NM_001365985.2); c.121del, p.Ala41fs (NM_001378405.1); short protein forms A25fs, A33fs, A24fs, A17fs, A41fs.
Identifiers: ClinVar variation 431130 (VCV000431130.3), dbSNP rs1135401802, ClinGen allele CA645372644.
Genomic context (GRCh38, chr19:13,025,065, plus strand): 5'-GGCTTGCCGCCTGCAGGATGAGTTCCACCCGTTCATCGAGGCACTGCTGCCTCACGTCCG[CG>C]CTTTCTCCTACACCTGGTTCAACCTGCAGGCGCGGAAGCGCAAGTACTTCAAGAAGCATG-3'